The following is an entry in ClinVar:

ClinVar aggregate classification (germline): Likely pathogenic (1 of 4 stars; one submission).

Submission:

GeneDx
Classification: Likely pathogenic. Last evaluated: 2022-07-05. Review status: criteria provided, single submitter. Criteria: GeneDx Variant Classification Process June 2021. Collection method: clinical testing. Allele origin: germline. Affected: yes.
Comment: Canonical splice site variant predicted to result in a null allele in a gene for which loss of function is a known mechanism of disease; Not observed at significant frequency in large population cohorts (gnomAD); Has not been previously published as pathogenic or benign to our knowledge

NM_001111.5(ADAR):c.3443+2T>A

Gene: ADAR (adenosine deaminase RNA specific; minus strand). Cytogenetic location: 1q21.3.
Variant type: single nucleotide variant.
Coding change: c.3443+2T>A on transcript NM_001111.5 (MANE Select); the canonical splice donor site of the intron after coding-DNA position 3443, T replaced by A.
Molecular consequence: splice donor variant.
Genome position (GRCh38, 1-based): chr1:154,585,215, A>T on the plus strand (T>A on the coding strand, the complement: ADAR is on the minus strand). VCF-style: chr1-154585215-A-T. GRCh37 (hg19) VCF-style: chr1-154557691-A-T.
Other names: c.2558+2T>A (NM_001365046.1, NM_001025107.3, NM_001365048.1 and 2 more transcripts); c.3470+2T>A (NM_001365045.1); c.2480+2T>A (NM_001365049.1); c.3308+2T>A (NM_015841.4); c.3365+2T>A (NM_015840.4).
Identifiers: ClinVar variation 1695514 (VCV001695514.2), dbSNP rs1571046516, ClinGen allele CA342634950.
Genomic context (GRCh38, chr1:154,585,215, plus strand): 5'-TGATGCACCCTTGCAAGTCAGGGCAGAGGCTTGGTCCTCACTGCGCTCTCCTGTCTCCTT[A>T]CCCATCCACAGTGCCTCTGGTACCGTCCAGGATCTCCAGGTCATAGCCATCAGCCAGACA-3'